The following is an entry in ClinVar:

NM_004370.6(COL12A1):c.1619A>G (p.Asn540Ser)

Gene: COL12A1 (collagen type XII alpha 1 chain; minus strand). Cytogenetic location: 6q13.
Variant type: single nucleotide variant.
Coding change: c.1619A>G on transcript NM_004370.6 (MANE Select); coding-DNA position 1619, A replaced by G.
Protein change: p.Asn540Ser; replaces asparagine 540 with serine.
Molecular consequence: missense variant. On other transcripts: intron variant (1).
Genome position (GRCh38, 1-based): chr6:75,183,322, T>C on the plus strand (A>G on the coding strand, the complement: COL12A1 is on the minus strand). VCF-style: chr6-75183322-T-C. GRCh37 (hg19) VCF-style: chr6-75893038-T-C.
Other names: c.73+19398A>G (NM_080645.3); short protein forms N540S.
Identifiers: ClinVar variation 1809957 (VCV001809957.10), dbSNP rs543760014, ClinGen allele CA3894168.

ClinVar aggregate classification (germline): Conflicting classifications of pathogenicity. Review status: criteria provided, conflicting classifications (1 of 4 stars). 5 submissions from 5 submitters: Uncertain significance (4); Likely benign (1). Last evaluated 2025-11-26.

Conditions:
Inborn genetic diseases. Identifiers: MedGen C0950123, MeSH D030342.
Ullrich congenital muscular dystrophy 2 (UCMD2). Identifiers: Orphanet 75840, MedGen C4225314, MONDO:0014654, OMIM 616470.
Bethlem myopathy 2 (BTHLM2). Identifiers: Orphanet 536516, Orphanet 610, MedGen C4225313, MONDO:0034022, OMIM 616471.

Allele frequency attached by ClinVar (database versions not stated): gnomAD 0.00001; TOPMed 0.00001; ExAC 0.00002; gnomAD exomes 0.00002; 1000 Genomes Project 0.00020; 1000 Genomes Project 30x 0.00031.
gnomAD v4.1: 11 of 1,614,226 alleles (0.00068%); highest among the groups gnomAD compares: East Asian, 0.02%; no homozygotes.

Submissions (5):

Labcorp Genetics (formerly Invitae), Labcorp
Classification: Likely benign for Bethlem myopathy 2; Ullrich congenital muscular dystrophy 2. Last evaluated: 2025-11-26. Review status: criteria provided, single submitter. Criteria: Invitae Variant Classification Sherloc (09022015). Collection method: clinical testing. Allele origin: germline.

GeneDx
Classification: Uncertain significance. Last evaluated: 2025-11-04. Review status: criteria provided, single submitter. Criteria: GeneDx Variant Classification Process June 2021. Collection method: clinical testing. Allele origin: germline. Affected: yes.
Comment: In silico analysis suggests that this missense variant does not alter protein structure/function; Has not been previously published as pathogenic or benign to our knowledge

Ambry Genetics
Classification: Uncertain significance for Inborn genetic diseases. Last evaluated: 2024-03-12. Review status: criteria provided, single submitter. Criteria: Ambry Variant Classification Scheme 2023. Collection method: clinical testing. Allele origin: germline.

Blueprint Genetics
Classification: Uncertain significance. Last evaluated: 2023-04-21. Review status: criteria provided, single submitter. Criteria: ACMG Guidelines, 2015. Collection method: clinical testing. Allele origin: germline.

Revvity Omics, Revvity
Classification: Uncertain significance. Last evaluated: 2021-08-04. Review status: criteria provided, single submitter. Criteria: ACMG Guidelines, 2015. Collection method: clinical testing. Allele origin: germline.